The following is an entry in ClinVar:

NM_001018005.2(TPM1):c.191T>C (p.Leu64Pro)

Gene: TPM1 (tropomyosin 1; plus strand). Cytogenetic location: 15q22.2.
Variant type: single nucleotide variant.
Coding change: c.191T>C on transcript NM_001018005.2 (MANE Select); coding-DNA position 191, T replaced by C.
Protein change: p.Leu64Pro; replaces leucine 64 with proline.
Molecular consequence: missense variant. On other transcripts: intron variant (3).
Genome position (GRCh38, 1-based): chr15:63,044,103, T>C. VCF-style: chr15-63044103-T-C. GRCh37 (hg19) VCF-style: chr15-63336302-T-C.
Other names: c.191T>C, p.Leu64Pro (NM_000366.6, NM_001018004.2, NM_001018006.2 and 3 more transcripts); c.317T>C, p.Leu106Pro (NM_001365778.1); c.240+272T>C (NM_001018020.2, NM_001018007.2, NM_001301244.2); short protein forms L64P, L106P.
Identifiers: ClinVar variation 3722641 (VCV003722641.4), dbSNP rs730881142.
Genomic context (GRCh38, chr15:63,044,103, plus strand): 5'-TGTCACTGCAAAAGAAACTCAAGGGCACCGAAGATGAACTGGACAAATACTCTGAGGCTC[T>C]CAAAGATGCCCAGGAGAAGCTGGAGCTGGCAGAGAAAAAGGCCACCGATGTAAGTGCACG-3'
Protein context (NP_001018005.1, residues 54-74): EDELDKYSEA[Leu64Pro]KDAQEKLELA

ClinVar aggregate classification (germline): Uncertain significance. Review status: criteria provided, multiple submitters, no conflicts (2 of 4 stars). 3 submissions from 3 submitters: Uncertain significance (3). Last evaluated 2026-04-30.

Conditions:
Cardiovascular phenotype. Identifiers: MedGen CN230736.
Hypertrophic cardiomyopathy. Also called: HYPERTROPHIC MYOCARDIOPATHY. Identifiers: Orphanet 217569, MedGen C0007194, MeSH D002312, MONDO:0005045, HP:0001639.

Submissions (3):

Ambry Genetics
Classification: Uncertain significance for Cardiovascular phenotype. Last evaluated: 2026-04-30. Review status: criteria provided, single submitter. Criteria: Ambry Variant Classification Scheme 2023. Collection method: clinical testing. Allele origin: germline.
Comment: The p.L64P variant (also known as c.191T>C), located in coding exon 2 of the TPM1 gene, results from a T to C substitution at nucleotide position 191. The leucine at codon 64 is replaced by proline, an amino acid with similar properties. This amino acid position is conserved. In addition, this alteration is predicted to be deleterious by in silico analysis. Based on the available evidence, the clinical significance of this variant remains unclear.

Molecular Diagnostic Laboratory for Inherited Cardiovascular Disease, Montreal Heart Institute
Classification: Uncertain significance for Cardiovascular phenotype. Last evaluated: 2025-04-09. Review status: criteria provided, single submitter. Criteria: ACMG Guidelines, 2015. Collection method: clinical testing. Allele origin: germline. Affected: yes.
Comment: PM2, PP2, PP3

Labcorp Genetics (formerly Invitae), Labcorp
Classification: Uncertain significance for Hypertrophic cardiomyopathy. Last evaluated: 2024-10-10. Review status: criteria provided, single submitter. Criteria: Invitae Variant Classification Sherloc (09022015). Collection method: clinical testing. Allele origin: germline.
Comment: This sequence change replaces leucine, which is neutral and non-polar, with proline, which is neutral and non-polar, at codon 64 of the TPM1 protein (p.Leu64Pro). This variant is not present in population databases (gnomAD no frequency). This variant has not been reported in the literature in individuals affected with TPM1-related conditions. An algorithm developed to predict the effect of missense changes on protein structure and function (PolyPhen-2) suggests that this variant is likely to be disruptive. In summary, the available evidence is currently insufficient to determine the role of this variant in disease. Therefore, it has been classified as a Variant of Uncertain Significance.